The following is an entry in ClinVar:

ClinVar aggregate classification (germline): Uncertain significance (1 of 4 stars; one submission).

Conditions:
Monocytopenia with susceptibility to infections. Also called: IMMUNODEFICIENCY 21; GATA2 DEFICIENCY; MONOCYTOPENIA AND MYCOBACTERIAL INFECTION SYNDROME; MONOCYTOPENIA WITH SUSCEPTIBILITY TO MYCOBACTERIAL, FUNGAL, AND PAPILLOMAVIRUS INFECTIONS AND MYELODYSPLASIA; COMBINED IMMUNODEFICIENCY WITH SUSCEPTIBILITY TO MYCOBACTERIAL, VIRAL, AND FUNGAL INFECTIONS; Dendritic cell, monocyte, B lymphocyte, and natural killer lymphocyte deficiency. Identifiers: Orphanet 228423, MedGen C3280030, MONDO:0013607, OMIM 614172.
Deafness-lymphedema-leukemia syndrome. Also called: Lymphedema, primary, with myelodysplasia; Emberger syndrome. Identifiers: Orphanet 3226, MedGen C3279664, MONDO:0013540, OMIM 614038.

Submission:

Labcorp Genetics (formerly Invitae), Labcorp
Classification: Uncertain significance for Monocytopenia with susceptibility to infections; Deafness-lymphedema-leukemia syndrome. Last evaluated: 2023-10-28. Review status: criteria provided, single submitter. Criteria: Invitae Variant Classification Sherloc (09022015). Collection method: clinical testing. Allele origin: germline.
Comment: This sequence change replaces alanine, which is neutral and non-polar, with threonine, which is neutral and polar, at codon 198 of the GATA2 protein (p.Ala198Thr). This variant is not present in population databases (gnomAD no frequency). This variant has not been reported in the literature in individuals affected with GATA2-related conditions. ClinVar contains an entry for this variant (Variation ID: 649115). Advanced modeling of protein sequence and biophysical properties (such as structural, functional, and spatial information, amino acid conservation, physicochemical variation, residue mobility, and thermodynamic stability) performed at Invitae indicates that this missense variant is not expected to disrupt GATA2 protein function with a negative predictive value of 95%. In summary, the available evidence is currently insufficient to determine the role of this variant in disease. Therefore, it has been classified as a Variant of Uncertain Significance.

NM_032638.5(GATA2):c.592G>A (p.Ala198Thr)

Gene: GATA2 (GATA binding protein 2; minus strand). Cytogenetic location: 3q21.3.
Variant type: single nucleotide variant.
Coding change: c.592G>A on transcript NM_032638.5 (MANE Select); coding-DNA position 592, G replaced by A.
Protein change: p.Ala198Thr; replaces alanine 198 with threonine.
Molecular consequence: missense variant.
Genome position (GRCh38, 1-based): chr3:128,486,006, C>T on the plus strand (G>A on the coding strand, the complement: GATA2 is on the minus strand). VCF-style: chr3-128486006-C-T. GRCh37 (hg19) VCF-style: chr3-128204849-C-T.
Other names: c.592G>A, p.Ala198Thr (NM_001145661.2, NM_001145662.1); short protein forms A198T.
Identifiers: ClinVar variation 649115 (VCV000649115.6), dbSNP rs1576748685, ClinGen allele CA354406457.